The following is an entry in ClinVar:

NM_001142966.3(GREB1L):c.3000T>C (p.Ser1000=)

Gene: GREB1L (GREB1 like retinoic acid receptor coactivator; plus strand). Cytogenetic location: 18q11.1.
Variant type: single nucleotide variant.
Coding change: c.3000T>C on transcript NM_001142966.3 (MANE Select); coding-DNA position 3000, T replaced by C.
Protein change: p.Ser1000=; no amino-acid change (serine 1000 retained).
Molecular consequence: synonymous variant.
Genome position (GRCh38, 1-based): chr18:21,490,321, T>C. VCF-style: chr18-21490321-T-C. GRCh37 (hg19) VCF-style: chr18-19070282-T-C.
Other names: c.3129T>C, p.Ser1043= (NM_001410867.1); c.2673T>C, p.Ser891= (NM_001410868.1).
Identifiers: ClinVar variation 4681812 (VCV004681812.5).

ClinVar aggregate classification (germline): Likely benign (1 of 4 stars; one submission).

gnomAD v4.1: 2 of 1,551,690 alleles (0.00013%); highest among the groups gnomAD compares: Admixed American, 0.002%; no homozygotes.

Submission:

CeGaT Center for Human Genetics Tuebingen
Classification: Likely benign. Last evaluated: 2025-11-01. Review status: criteria provided, single submitter. Criteria: CeGaT Center For Human Genetics Tuebingen Variant Classification Criteria Version 2. Collection method: clinical testing. Allele origin: germline. Affected: yes. Observed: 1 variant allele.
Comment: GREB1L: BP4, BP7